The following is an entry in ClinVar:

ClinVar aggregate classification (germline): Uncertain significance (1 of 4 stars; one submission).

Conditions:
Cardiovascular phenotype. Identifiers: MedGen CN230736.

Submission:

Ambry Genetics
Classification: Uncertain significance for Cardiovascular phenotype. Last evaluated: 2024-08-11. Review status: criteria provided, single submitter. Criteria: Ambry Variant Classification Scheme 2023. Collection method: clinical testing. Allele origin: germline.
Comment: The p.A1047V variant (also known as c.3140C>T), located in coding exon 21 of the APOB gene, results from a C to T substitution at nucleotide position 3140. The alanine at codon 1047 is replaced by valine, an amino acid with similar properties. This amino acid position is conserved. In addition, this alteration is predicted to be tolerated by in silico analysis. Based on the available evidence, the clinical significance of this variant remains unclear.

NM_000384.3(APOB):c.3140C>T (p.Ala1047Val)

Gene: APOB (apolipoprotein B; minus strand). Cytogenetic location: 2p24.1.
Variant type: single nucleotide variant.
Coding change: c.3140C>T on transcript NM_000384.3 (MANE Select); coding-DNA position 3140, C replaced by T.
Protein change: p.Ala1047Val; replaces alanine 1047 with valine.
Molecular consequence: missense variant.
Genome position (GRCh38, 1-based): chr2:21,016,631, G>A on the plus strand (C>T on the coding strand, the complement: APOB is on the minus strand). VCF-style: chr2-21016631-G-A. GRCh37 (hg19) VCF-style: chr2-21239503-G-A.
Other names: short protein forms A1047V.
Identifiers: ClinVar variation 3415756 (VCV003415756.1).